The following is an entry in ClinVar:

ClinVar aggregate classification (germline): Uncertain significance. Review status: criteria provided, multiple submitters, no conflicts (2 of 4 stars). 2 submissions from 2 submitters: Uncertain significance (2). Last evaluated 2021-12-30.

Conditions:
Early-infantile DEE. Also called: Early infantile epileptic encephalopathy with suppression bursts; Early infantile epileptic encephalopathy; Ohtahara syndrome. Identifiers: Orphanet 1934, MedGen C0393706, MONDO:0800491.

Submissions (2):

Revvity Omics, Revvity
Classification: Uncertain significance. Last evaluated: 2021-12-30. Review status: criteria provided, single submitter. Criteria: ACMG Guidelines, 2015. Collection method: clinical testing. Allele origin: germline.

Labcorp Genetics (formerly Invitae), Labcorp
Classification: Uncertain significance for Early-infantile DEE. Last evaluated: 2018-08-15. Review status: criteria provided, single submitter. Criteria: Invitae Variant Classification Sherloc (09022015). Collection method: clinical testing. Allele origin: germline.
Comment: This sequence change replaces glycine with cysteine at codon 1371 of the SCN1A protein (p.Gly1371Cys). The glycine residue is highly conserved and there is a large physicochemical difference between glycine and cysteine. This variant is not present in population databases (ExAC no frequency). This variant has not been reported in the literature in individuals with SCN1A-related disease. Algorithms developed to predict the effect of missense changes on protein structure and function (SIFT, PolyPhen-2, Align-GVGD) all suggest that this variant is likely to be disruptive, but these predictions have not been confirmed by published functional studies and their clinical significance is uncertain. In summary, the available evidence is currently insufficient to determine the role of this variant in disease. Therefore, it has been classified as a Variant of Uncertain Significance. This variant identified in the SCN1A gene is located in the transmembrane spanning D3-S5 region of the resulting protein (PMID: 25348405, 18804930), but it is unclear how this variant impacts the function of this protein.

Literature cited by the submitters: PubMed 25348405 (cited by Labcorp Genetics (formerly Invitae), Labcorp); PubMed 18804930 (cited by Labcorp Genetics (formerly Invitae), Labcorp).

NM_001165963.4(SCN1A):c.4111G>T (p.Gly1371Cys)

Genes: SCN1A (sodium voltage-gated channel alpha subunit 1; minus strand), LOC102724058 (uncharacterized LOC102724058; plus strand). Cytogenetic location: 2q24.3.
Variant type: single nucleotide variant.
Coding change: c.4111G>T on transcript NM_001165963.4 (MANE Select); coding-DNA position 4111, G replaced by T.
Protein change: p.Gly1371Cys; replaces glycine 1371 with cysteine.
Molecular consequence: missense variant. On other transcripts: non-coding transcript variant (1).
Genome position (GRCh38, 1-based): chr2:166,002,645, C>A on the plus strand (G>T on the coding strand, the complement: SCN1A is on the minus strand). VCF-style: chr2-166002645-C-A. GRCh37 (hg19) VCF-style: chr2-166859155-C-A.
Other names: c.4027G>T, p.Gly1343Cys (NM_001165964.3, NM_001353957.2, NM_001353958.2); c.4111G>T, p.Gly1371Cys (NM_001202435.3, NM_001353948.2); c.4078G>T, p.Gly1360Cys (NM_001353949.2, NM_001353950.2, NM_001353951.2 and 2 more transcripts); c.4075G>T, p.Gly1359Cys (NM_001353954.2, NM_001353955.2); c.4024G>T, p.Gly1342Cys (NM_001353960.2); c.1669G>T, p.Gly557Cys (NM_001353961.2); c.4111G>T (NM_001165963.3); short protein forms G1342C, G1360C, G1371C, G557C, G1343C, G1359C.
Identifiers: ClinVar variation 644737 (VCV000644737.12), dbSNP rs1064795303, ClinGen allele CA349050420.